The following is an entry in ClinVar:

ClinVar aggregate classification (germline): Uncertain significance (1 of 4 stars; one submission).

Conditions:
Inborn genetic diseases. Identifiers: MedGen C0950123, MeSH D030342.

Submission:

Ambry Genetics
Classification: Uncertain significance for Inborn genetic diseases. Last evaluated: 2026-03-04. Review status: criteria provided, single submitter. Criteria: Ambry Variant Classification Scheme 2023. Collection method: clinical testing. Allele origin: germline.
Comment: The c.552+4_552+7delAGTA alteration is located in Intron 4 (E) of the PIBF1 gene. This alteration consists of a deletion of 4 nucleotides at nucleotide position c.5524 Intron 4 (E). Based on data from gnomAD, this allele has an overall frequency of 0.001% (3/228462) total alleles studied. The highest observed frequency was 0.007% (2/26900) of Latino alleles. This nucleotide position is well conserved in available vertebrate species. In silico splice site analysis predicts that this alteration will weaken the native splice donor site and will result in the creation or strengthening of a novel splice donor site. Based on insufficient or conflicting evidence, the clinical significance of this alteration remains unclear.

NM_006346.4(PIBF1):c.552+4_552+7del

Gene: PIBF1 (progesterone immunomodulatory binding factor 1; plus strand). Cytogenetic location: 13q21.33.
Variant type: Deletion.
Coding change: c.552+4_552+7del on transcript NM_006346.4 (MANE Select); bases 4 to 7 of the intron after coding-DNA position 552, 4 bases deleted (AGTA; older notation c.552+4_552+7delAGTA).
Molecular consequence: splice donor variant.
Genome position (GRCh38, 1-based): chr13:72,795,561-72,795,564, AGTA deleted; deleting any 4 consecutive bases within chr13:72,795,558-72,795,564 gives the same sequence; the c. name uses the placement nearest the transcript's 3' end. VCF-style (leftmost placement, unchanged base first): chr13-72795557-TGTAA-T. GRCh37 (hg19) VCF-style: chr13-73369695-TGTAA-T.
Other names: c.552+4_552+7del (NM_001349655.2).
Identifiers: ClinVar variation 4840337 (VCV004840337.1).